The following is an entry in ClinVar:

NM_000138.5(FBN1):c.2542A>G (p.Thr848Ala)

Gene: FBN1 (fibrillin 1; minus strand). Cytogenetic location: 15q21.1.
Variant type: single nucleotide variant.
Coding change: c.2542A>G on transcript NM_000138.5 (MANE Select); coding-DNA position 2542, A replaced by G.
Protein change: p.Thr848Ala; replaces threonine 848 with alanine.
Molecular consequence: missense variant.
Genome position (GRCh38, 1-based): chr15:48,495,258, T>C on the plus strand (A>G on the coding strand, the complement: FBN1 is on the minus strand). VCF-style: chr15-48495258-T-C. GRCh37 (hg19) VCF-style: chr15-48787455-T-C.
Other names: c.2542A>G, p.Thr848Ala (NM_001406716.1); short protein forms T848A.
Identifiers: ClinVar variation 3600233 (VCV003600233.1).
Genomic context (GRCh38, chr15:48,495,258, plus strand): 5'-CATTGATGTTGATCTCACATCGCCCATCAATGACAGTCTGCCAGCAAGTGCCCTTGATGG[T>C]TTCTGCAGAGGAGGGAATAATATTTAATAGAATCTATATAAAAATTCAAACATACACCTT-3'
Protein context (NP_000129.3, residues 838-858): LDPTKTICIE[Thr848Ala]IKGTCWQTVI

ClinVar aggregate classification (germline): Uncertain significance (0 of 4 stars; one submission).

Conditions:
Marfan syndrome (MFS). Also called: MARFAN SYNDROME, TYPE I; Marfan syndrome type 1; Marfan's syndrome; FBN1-Related Marfan Syndrome; Marfan syndrome, classic. Identifiers: Orphanet 284963, Orphanet 558, MedGen C0024796, MONDO:0007947, OMIM 154700.

gnomAD v4.1: 1 of 1,614,026 alleles (0.000062%); highest among the groups gnomAD compares: South Asian, 0.0011%; no homozygotes.

Submission:

Department of Laboratory Medicine and Genetics, Samsung Medical Center
Classification: Uncertain significance for Marfan syndrome. Last evaluated: 2025-01-02. Review status: no assertion criteria provided. Collection method: clinical testing. Allele origin: germline.
Comment: The NM_000138.5:c.2542A>G is considered to be rare in the general population database (gnomAD v2.1.1). In summary, the available evidence is currently insufficient to evaluate the pathogenicity of this variant, resulting its classification as a variant of uncertain significance (PP2, PM2_P).

Literature cited by the submitters: PubMed 37558401.